The following is an entry in ClinVar:

NM_006005.3(WFS1):c.1246A>G (p.Ile416Val)

Gene: WFS1 (wolframin ER transmembrane glycoprotein; plus strand). Cytogenetic location: 4p16.1.
Variant type: single nucleotide variant.
Coding change: c.1246A>G on transcript NM_006005.3 (MANE Select); coding-DNA position 1246, A replaced by G.
Protein change: p.Ile416Val; replaces isoleucine 416 with valine.
Molecular consequence: missense variant.
Genome position (GRCh38, 1-based): chr4:6,301,041, A>G. VCF-style: chr4-6301041-A-G. GRCh37 (hg19) VCF-style: chr4-6302768-A-G.
Other names: c.1246A>G, p.Ile416Val (NM_001145853.1); short protein forms I416V.
Identifiers: ClinVar variation 2443439 (VCV002443439.1), dbSNP rs969031821, ClinGen allele CA356174532.

ClinVar aggregate classification (germline): Uncertain significance (1 of 4 stars; one submission).

Allele frequency attached by ClinVar (database versions not stated): gnomAD 0.00001; gnomAD exomes 0.00001.

Submission:

GeneDx
Classification: Uncertain significance. Last evaluated: 2022-09-13. Review status: criteria provided, single submitter. Criteria: GeneDx Variant Classification Process June 2021. Collection method: clinical testing. Allele origin: germline. Affected: yes.
Comment: In silico analysis supports that this missense variant does not alter protein structure/function; Has not been previously published as pathogenic or benign to our knowledge